The following is an entry in ClinVar:

ClinVar aggregate classification (germline): Benign/Likely benign. Review status: criteria provided, multiple submitters, no conflicts (2 of 4 stars). 3 submissions from 3 submitters: Benign (1); Likely benign (1). 1 of the submissions does not count toward it. Last evaluated 2025-04-25.

Conditions:
Oculofaciocardiodental syndrome (MCOPS2). Identifiers: Orphanet 2712, MedGen C1846265, MONDO:0010261, OMIM 300166.
BCOR-related disorder. Also called: BCOR-related disorders; BCOR-related condition.

Allele frequency attached by ClinVar (database versions not stated): TOPMed 0.00188; 1000 Genomes Project 30x 0.00562.
gnomAD v4.1: 1,083 of 1,210,444 alleles (0.089%); highest among the groups gnomAD compares: East Asian, 3%; 12 homozygotes.

Submissions (3):

Labcorp Genetics (formerly Invitae), Labcorp
Classification: Benign for Oculofaciocardiodental syndrome. Last evaluated: 2025-04-25. Review status: criteria provided, single submitter. Criteria: Invitae Variant Classification Sherloc (09022015). Collection method: clinical testing. Allele origin: germline.

Blueprint Genetics
Classification: Likely benign. Last evaluated: 2024-11-21. Review status: criteria provided, single submitter. Criteria: ACMG Guidelines, 2015. Collection method: clinical testing. Allele origin: germline.

PreventionGenetics, part of Exact Sciences
Classification: Benign for BCOR-related condition. Last evaluated: 2019-06-05. Review status: no assertion criteria provided. Collection method: clinical testing. Allele origin: germline. Not counted in ClinVar's aggregate classification.
Comment: This variant is classified as benign based on ACMG/AMP sequence variant interpretation guidelines (Richards et al. 2015 PMID: 25741868, with internal and published modifications).

NM_001123385.2(BCOR):c.2691G>C (p.Ser897=)

Gene: BCOR (BCL6 corepressor; minus strand). Cytogenetic location: Xp11.4.
Variant type: single nucleotide variant.
Coding change: c.2691G>C on transcript NM_001123385.2 (MANE Select); coding-DNA position 2691, G replaced by C.
Protein change: p.Ser897=; no amino-acid change (serine 897 retained).
Molecular consequence: synonymous variant.
Genome position (GRCh38, 1-based): chrX:40,072,655, C>G on the plus strand (G>C on the coding strand, the complement: BCOR is on the minus strand). VCF-style: chrX-40072655-C-G. GRCh37 (hg19) VCF-style: chrX-39931908-C-G.
Other names: c.2691G>C, p.Ser897= (NM_001123383.2, NM_001123384.2, NM_017745.6).
Identifiers: ClinVar variation 533719 (VCV000533719.14), dbSNP rs3810693, ClinGen allele CA10386752.